The following is an entry in ClinVar:

ClinVar aggregate classification (germline): Uncertain significance (1 of 4 stars; one submission).

gnomAD v4.1: 1 of 1,613,590 alleles (0.000062%); highest among the groups gnomAD compares: Non-Finnish European, 0.000085%; no homozygotes.

Submission:

Ambry Genetics
Classification: Uncertain significance. Last evaluated: 2022-09-26. Review status: criteria provided, single submitter. Criteria: Ambry Variant Classification Scheme 2023. Collection method: clinical testing. Allele origin: germline.
Comment: The p.A555G variant (also known as c.1664C>G), located in coding exon 11 of the POLQ gene, results from a C to G substitution at nucleotide position 1664. The alanine at codon 555 is replaced by glycine, an amino acid with similar properties. This amino acid position is conserved. In addition, this alteration is predicted to be tolerated by in silico analysis. Since supporting evidence is limited at this time, the clinical significance of this alteration remains unclear.

NM_199420.4(POLQ):c.1664C>G (p.Ala555Gly)

Gene: POLQ (DNA polymerase theta; minus strand). Cytogenetic location: 3q13.33.
Variant type: single nucleotide variant.
Coding change: c.1664C>G on transcript NM_199420.4 (MANE Select); coding-DNA position 1664, C replaced by G.
Protein change: p.Ala555Gly; replaces alanine 555 with glycine.
Molecular consequence: missense variant.
Genome position (GRCh38, 1-based): chr3:121,510,191, G>C on the plus strand (C>G on the coding strand, the complement: POLQ is on the minus strand). VCF-style: chr3-121510191-G-C. GRCh37 (hg19) VCF-style: chr3-121229038-G-C.
Other names: short protein forms A555G.
Identifiers: ClinVar variation 1777546 (VCV001777546.2), dbSNP rs2048242972, ClinGen allele CA354115121.